The following is an entry in ClinVar:

ClinVar aggregate classification (germline): Pathogenic. Review status: criteria provided, multiple submitters, no conflicts (2 of 4 stars). 2 submissions from 2 submitters: Pathogenic (2). Last evaluated 2025-05-17.

Conditions:
Recessive dystrophic epidermolysis bullosa (RDEB). Also called: DYSTROPHIC EPIDERMOLYSIS BULLOSA, AUTOSOMAL RECESSIVE; EPIDERMOLYSIS BULLOSA DYSTROPHICA, HALLOPEAU-SIEMENS TYPE; Recessive DEB (RDEB); EPIDERMOLYSIS BULLOSA DYSTROPHICA, GENERALIZED SEVERE, AUTOSOMAL RECESSIVE; Epidermolysis Bullosa Distrophica Autosomal Recessive (RDEB); epidermolysis bullosa dystrophica, autosomal recessive. Identifiers: Orphanet 79408, Orphanet 79409, MedGen C0079474, MONDO:0009179, OMIM 226600.

Submissions (2):

Myriad Genetics, Inc.
Classification: Pathogenic for Recessive dystrophic epidermolysis bullosa. Last evaluated: 2025-05-17. Review status: criteria provided, single submitter. Criteria: Myriad Autosomal Dominant, Autosomal Recessive and X-Linked Classification Criteria (2023). Collection method: clinical testing. Allele origin: unknown.
Comment: NM_000094.3(COL7A1):c.3751_3752insACCA(C1251Yfs*110) is expected to be pathogenic in the context of dystrophic epidermolysis bullosa. This variant is predicted to lead to an abnormal or absent protein product due to the creation of a premature termination codon in COL7A1, a gene where loss-of-function variants are known to be pathogenic. Please note: this variant was assessed in the context of healthy population screening.

GeneDx
Classification: Pathogenic. Last evaluated: 2017-05-30. Review status: criteria provided, single submitter. Criteria: GeneDx Variant Classification (06012015). Collection method: clinical testing. Allele origin: germline. Affected: yes.
Comment: The c.3751_3752insACCA pathogenic variant in the COL7A1 gene has not been reported previously as a pathogenic variant nor as a benign variant, to our knowledge. The c.3751_3752insACCA variant causes a frameshift starting with codon Cys1251, changes this amino acid to a Tyrosine residue, and creates a premature Stop codon at position 110 of the new reading frame, denoted p.Cys1251TyrfsX110. This variant is predicted to cause loss of normal protein function either through protein truncation or nonsense-mediated mRNA decay. The c.3751_3752insACCA variant was not observed in approximately 6500 individuals of European and African American ancestry in the NHLBI Exome Sequencing Project, indicating it is not a common benign variant in these populations. We interpret c.3751_3752insACCA as a pathogenic variant.

NM_000094.4(COL7A1):c.3751_3752insACCA (p.Cys1251fs)

Gene: COL7A1 (collagen type VII alpha 1 chain; minus strand). Cytogenetic location: 3p21.31.
Variant type: Insertion.
Coding change: c.3751_3752insACCA on transcript NM_000094.4 (MANE Select); coding-DNA positions 3751 to 3752, ACCA inserted.
Protein change: p.Cys1251fs; shifts the reading frame from cysteine 1251.
Molecular consequence: frameshift variant.
Genome position: GRCh38 VCF-style: chr3-48585947-C-CTGGT. GRCh37 (hg19) VCF-style: chr3-48623380-C-CTGGT.
Other names: short protein forms C1251fs.
Identifiers: ClinVar variation 422653 (VCV000422653.3), dbSNP rs1064795917, ClinGen allele CA16617986.